The following is an entry in ClinVar:

ClinVar aggregate classification (germline): Uncertain significance. Review status: criteria provided, multiple submitters, no conflicts (2 of 4 stars). 4 submissions from 4 submitters: Uncertain significance (4). Last evaluated 2025-10-24.

Conditions:
Left ventricular noncompaction 1 (LVNC1). Also called: LEFT VENTRICULAR NONCOMPACTION 1 WITH OR WITHOUT CONGENITAL HEART DEFECTS. Identifiers: Orphanet 54260, MedGen C1858725, MONDO:0011403, OMIM 604169.
Congenital heart disease (CHD). Identifiers: MedGen C0152021, MONDO:0005453. Disease mechanism: unknown.

Allele frequency attached by ClinVar (database versions not stated): gnomAD 0.00001; TOPMed 0.00001; gnomAD exomes 0.00002.
gnomAD v4.1: 23 of 1,613,960 alleles (0.0014%); highest among the groups gnomAD compares: Middle Eastern, 0.016%; no homozygotes.

Submissions (4):

Ambry Genetics
Classification: Uncertain significance. Last evaluated: 2025-10-24. Review status: criteria provided, single submitter. Criteria: Ambry Variant Classification Scheme 2023. Collection method: clinical testing. Allele origin: germline.

Labcorp Genetics (formerly Invitae), Labcorp
Classification: Uncertain significance for Left ventricular noncompaction 1. Last evaluated: 2025-04-09. Review status: criteria provided, single submitter. Criteria: Invitae Variant Classification Sherloc (09022015). Collection method: clinical testing. Allele origin: germline.
Comment: This sequence change replaces alanine, which is neutral and non-polar, with threonine, which is neutral and polar, at codon 468 of the DTNA protein (p.Ala468Thr). This variant is present in population databases (no rsID available, gnomAD 0.0009%). This variant has not been reported in the literature in individuals affected with DTNA-related conditions. ClinVar contains an entry for this variant (Variation ID: 2422404). An algorithm developed to predict the effect of missense changes on protein structure and function (PolyPhen-2) suggests that this variant is likely to be disruptive. In summary, the available evidence is currently insufficient to determine the role of this variant in disease. Therefore, it has been classified as a Variant of Uncertain Significance.

Blueprint Genetics
Classification: Uncertain significance. Last evaluated: 2024-06-27. Review status: criteria provided, single submitter. Criteria: ACMG Guidelines, 2015. Collection method: clinical testing. Allele origin: germline.

Department of Pathology and Laboratory Medicine, Sinai Health System
Classification: Uncertain significance for congenital heart disease. Last evaluated: 2021-01-27. Review status: criteria provided, single submitter. Criteria: ACMG Guidelines, 2015. Collection method: research. Allele origin: germline.

NM_001386795.1(DTNA):c.1483G>A (p.Ala495Thr)

Gene: DTNA (dystrobrevin alpha; plus strand). Cytogenetic location: 18q12.1.
Variant type: single nucleotide variant.
Coding change: c.1483G>A on transcript NM_001386795.1 (MANE Select); coding-DNA position 1483, G replaced by A.
Protein change: p.Ala495Thr; replaces alanine 495 with threonine.
Molecular consequence: missense variant.
Genome position (GRCh38, 1-based): chr18:34,851,879, G>A. VCF-style: chr18-34851879-G-A. GRCh37 (hg19) VCF-style: chr18-32431843-G-A.
Other names: c.1393G>A (NM_032978.6); c.1222G>A, p.Ala408Thr (NM_001198938.2, NM_001198939.2, NM_001198940.2 and 9 more transcripts); c.529G>A, p.Ala177Thr (NM_001198942.1); c.472G>A, p.Ala158Thr (NM_001198943.1); c.358G>A, p.Ala120Thr (NM_001198944.1); c.652G>A, p.Ala218Thr (NM_001198945.2); c.1312G>A, p.Ala438Thr (NM_001386754.1, NM_001386755.1, NM_001386756.1 and 4 more transcripts); c.1309G>A, p.Ala437Thr (NM_001386760.1); and 8 more; short protein forms A116T, A120T, A158T, A177T, A218T, A407T, A408T, A410T.
Identifiers: ClinVar variation 2422404 (VCV002422404.9), dbSNP rs1190400190, ClinGen allele CA402174582.